The following is an entry in ClinVar:

ClinVar aggregate classification (germline): Conflicting classifications of pathogenicity. Review status: criteria provided, conflicting classifications (1 of 4 stars). 11 submissions from 11 submitters: Uncertain significance (3); Benign (1); Likely benign (7). Last evaluated 2026-06-24.

Conditions:
FGFR3-related chondrodysplasia. Identifiers: Orphanet 93420, MedGen C5681604, MONDO:0019685.
FGFR3-related disorder. Also called: FGFR3-related disorders.

Allele frequency attached by ClinVar (database versions not stated): gnomAD 0.00006 and 0.00008; TOPMed 0.00006; gnomAD exomes 0.00007 and 0.00018; ESP Exome Variant Server 0.00008; ExAC 0.00018; 1000 Genomes Project 30x 0.00031; 1000 Genomes Project 0.00040.

Submissions (11):

Women's Health and Genetics/Laboratory Corporation of America, LabCorp
Classification: Likely benign. Last evaluated: 2026-06-24. Review status: criteria provided, single submitter. Criteria: LabCorp Variant Classification Summary - May 2015. Collection method: clinical testing. Allele origin: germline.
Comment: Variant summary: FGFR3 c.272C>T (p.Pro91Leu) results in a non-conservative amino acid change in the encoded protein sequence. Algorithms developed to predict the effect of missense changes on protein structure and function are either unavailable or do not agree on the potential impact of this missense change. The variant allele was found at a frequency of 7.2e-05 in 1604736 control chromosomes, predominantly at a frequency of 0.00029 within the South Asian subpopulation in the gnomAD database, including 2 homozygotes. This frequency is not significantly higher than estimated for disease-causing variants in FGFR3, allowing no conclusion about variant significance. To our knowledge, no occurrence of c.272C>T in individuals affected with FGFR3-related conditions and no experimental evidence demonstrating its impact on protein function have been reported. ClinVar contains an entry for this variant (Variation ID: 282687). Based on the evidence outlined above, the variant was classified as likely benign.

Genomenon, Inc
Classification: Uncertain significance for FGFR3-related chondrodysplasia. Last evaluated: 2026-06-23. Review status: criteria provided, single submitter. Criteria: Genomenon Sequence Variant Interpretation Standards - Updated. Collection method: curation. Allele origin: germline. Affected: no.
Comment: FGFR3 p.Pro91Leu (c.272C>T) is a missense variant that changes the amino acid at codon 91 from Proline to Leucine. This variant has been reported in the published literature (PMID:36479692). It is absent or not present at a significant frequency in gnomAD. In silico models predict that this variant is not damaging. In conclusion, we classify FGFR3 p.Pro91Leu (c.272C>T) as a variant of uncertain significance.

Labcorp Genetics (formerly Invitae), Labcorp
Classification: Likely benign. Last evaluated: 2026-01-12. Review status: criteria provided, single submitter. Criteria: Invitae Variant Classification Sherloc (09022015). Collection method: clinical testing. Allele origin: germline.

CeGaT Center for Human Genetics Tuebingen
Classification: Likely benign. Last evaluated: 2025-07-01. Review status: criteria provided, single submitter. Criteria: CeGaT Center For Human Genetics Tuebingen Variant Classification Criteria Version 2. Collection method: clinical testing. Allele origin: germline. Affected: yes. Observed: 1 variant allele.
Comment: FGFR3: BS2

PreventionGenetics, part of Exact Sciences
Classification: Likely benign for FGFR3-related condition. Last evaluated: 2025-01-13. Review status: criteria provided, single submitter. Criteria: ACMG Guidelines, 2015. Collection method: clinical testing. Allele origin: germline.
Comment: This variant is classified as likely benign based on ACMG/AMP sequence variant interpretation guidelines (Richards et al. 2015 PMID: 25741868, with internal and published modifications).

Blueprint Genetics
Classification: Likely benign. Last evaluated: 2023-10-08. Review status: criteria provided, single submitter. Criteria: ACMG Guidelines, 2015. Collection method: clinical testing. Allele origin: germline.

Institute for Clinical Genetics, University Hospital TU Dresden, University Hospital TU Dresden
Classification: Uncertain significance. Last evaluated: 2021-11-03. Review status: criteria provided, single submitter. Criteria: ACMG Guidelines, 2015. Collection method: clinical testing. Allele origin: germline.

GeneDx
Classification: Likely benign. Last evaluated: 2019-10-15. Review status: criteria provided, single submitter. Criteria: GeneDx Variant Classification Process June 2021. Collection method: clinical testing. Allele origin: germline. Affected: yes.

Genetic Services Laboratory, University of Chicago
Classification: Benign. Last evaluated: 2017-11-02. Review status: criteria provided, single submitter. Criteria: ACMG Guidelines, 2015. Collection method: clinical testing. Allele origin: germline. Affected: no.

Eurofins Ntd Llc (ga)
Classification: Uncertain significance. Last evaluated: 2017-01-10. Review status: criteria provided, single submitter. Criteria: EGL Classification Definitions 2015. Collection method: clinical testing. Allele origin: germline. Observed: 2 variant alleles, 2 heterozygotes.

ARUP Laboratories, Molecular Genetics and Genomics, ARUP Laboratories
Classification: Likely benign. Last evaluated: 2016-10-03. Review status: criteria provided, single submitter. Criteria: ARUP Molecular Germline Variant Investigation Process. Collection method: clinical testing. Allele origin: germline.

Literature cited by the submitters: PubMed 36479692 (cited by Genomenon, Inc).

NM_000142.5(FGFR3):c.272C>T (p.Pro91Leu)

Gene: FGFR3 (fibroblast growth factor receptor 3; plus strand). Cytogenetic location: 4p16.3.
Variant type: single nucleotide variant.
Coding change: c.272C>T on transcript NM_000142.5 (MANE Select); coding-DNA position 272, C replaced by T.
Protein change: p.Pro91Leu; replaces proline 91 with leucine.
Molecular consequence: missense variant. On other transcripts: non-coding transcript variant (1).
Genome position (GRCh38, 1-based): chr4:1,799,416, C>T. VCF-style: chr4-1799416-C-T. GRCh37 (hg19) VCF-style: chr4-1801143-C-T.
Other names: c.272C>T, p.Pro91Leu (NM_001163213.2, NM_001354809.2, NM_001354810.2 and 1 more transcripts); short protein forms P91L.
Identifiers: ClinVar variation 282687 (VCV000282687.41), dbSNP rs144995231, ClinGen allele CA2809756.